The following is an entry in ClinVar:

NM_001378969.1(KCND3):c.1518+4T>C

Gene: KCND3 (potassium voltage-gated channel subfamily D member 3; minus strand). Cytogenetic location: 1p13.2.
Variant type: single nucleotide variant.
Coding change: c.1518+4T>C on transcript NM_001378969.1 (MANE Select); 4 bases into the intron after coding-DNA position 1518, T replaced by C.
Molecular consequence: intron variant.
Genome position (GRCh38, 1-based): chr1:111,778,432, A>G on the plus strand (T>C on the coding strand, the complement: KCND3 is on the minus strand). VCF-style: chr1-111778432-A-G. GRCh37 (hg19) VCF-style: chr1-112321054-A-G.
Other names: c.1462-1159T>C (NM_001378970.1, NM_172198.3); c.1518+4T>C (NM_004980.5).
Identifiers: ClinVar variation 533726 (VCV000533726.8), dbSNP rs1553235925, ClinGen allele CA658795501.

ClinVar aggregate classification (germline): Uncertain significance (1 of 4 stars; one submission).

Conditions:
Spinocerebellar ataxia type 19/22 (SCA19). Also called: SPINOCEREBELLAR ATAXIA 22; SPINOCEREBELLAR ATAXIA 19. Identifiers: Orphanet 98772, MedGen C1846367, MONDO:0011819, OMIM 607346.

Allele frequency attached by ClinVar (database versions not stated): gnomAD exomes 0.00001.

Submission:

Labcorp Genetics (formerly Invitae), Labcorp
Classification: Uncertain significance for Spinocerebellar ataxia type 19/22. Last evaluated: 2020-11-03. Review status: criteria provided, single submitter. Criteria: Invitae Variant Classification Sherloc (09022015). Collection method: clinical testing. Allele origin: germline.
Comment: This variant is not present in population databases (ExAC no frequency). In summary, the available evidence is currently insufficient to determine the role of this variant in disease. Therefore, it has been classified as a Variant of Uncertain Significance. Nucleotide substitutions within the consensus splice site are a relatively common cause of aberrant splicing (PMID: 17576681, 9536098). Algorithms developed to predict the effect of sequence changes on RNA splicing suggest that this variant is not likely to affect RNA splicing, but this prediction has not been confirmed by published transcriptional studies. This variant has not been reported in the literature in individuals with KCND3-related disease. This sequence change falls in intron 6 of the KCND3 gene. It does not directly change the encoded amino acid sequence of the KCND3 protein, but it affects a nucleotide within the consensus splice site of the intron.

Literature cited by the submitters: PubMed 17576681; PubMed 9536098.